The following is an entry in ClinVar:

NM_000202.8(IDS):c.283A>G (p.Arg95Gly)

Gene: IDS (iduronate 2-sulfatase; minus strand). Cytogenetic location: Xq28.
Variant type: single nucleotide variant.
Coding change: c.283A>G on transcript NM_000202.8 (MANE Select); coding-DNA position 283, A replaced by G.
Protein change: p.Arg95Gly; replaces arginine 95 with glycine.
Molecular consequence: missense variant. On other transcripts: non-coding transcript variant (1), splice acceptor variant (1).
Genome position (GRCh38, 1-based): chrX:149,503,447, T>C on the plus strand (A>G on the coding strand, the complement: IDS is on the minus strand). VCF-style: chrX-149503447-T-C. GRCh37 (hg19) VCF-style: chrX-148584977-T-C.
Other names: c.283A>G, p.Arg95Gly (NM_006123.5); c.15-2A>G (NM_001166550.4); c.283A>G (NM_000202.4); short protein forms R95G.
Identifiers: ClinVar variation 3255649 (VCV003255649.3).

ClinVar aggregate classification (germline): Pathogenic/Likely pathogenic. Review status: criteria provided, multiple submitters, no conflicts (2 of 4 stars). 2 submissions from 2 submitters: Pathogenic (1); Likely pathogenic (1). Last evaluated 2024-07-22.

Conditions:
Mucopolysaccharidosis, MPS-II (MPS2). Also called: Hunter Syndrome; IDURONATE 2-SULFATASE DEFICIENCY; Mucopolysaccharidosis Type II; Mucopolysaccharidosis type 2; Attenuated MPS (subtype; formerly known as mild MPS II); Severe MPS II. Identifiers: Orphanet 580, Orphanet 79388, MedGen C0026705, MONDO:0010674, OMIM 309900.

Submissions (2):

GeneDx
Classification: Likely pathogenic. Last evaluated: 2024-07-22. Review status: criteria provided, single submitter. Criteria: GeneDx Variant Classification Process June 2021. Collection method: clinical testing. Allele origin: germline. Affected: yes.
Comment: Not observed at significant frequency in large population cohorts (gnomAD); In silico analysis supports that this missense variant has a deleterious effect on protein structure/function; This variant is associated with the following publications: (PMID: 8664909, 27695081, 24515576)

Laboratory of Diagnosis and Therapy of Lysosomal Disorders, University of Padova
Classification: Pathogenic for Mucopolysaccharidosis, MPS-II. Last evaluated: 2024-06-07. Review status: criteria provided, single submitter. Criteria: ACMG Guidelines, 2015. Collection method: literature only. Allele origin: germline. Affected: yes. Observed: 5 variant alleles.
Comment: Prevalence of the variant significantly increased in affected individuals compared with controls (PS4_Supporting), Absent from controls (or at low frequency) in gnomAD database (PM2_Moderate), Missense change at the same amino acid residue as a pathogenic variant (PM5_Moderate), Missense variant in a gene with a low rate of benign missense variation (PP2_Supporting), Multiple lines of computational evidence support a deleterious effect (PP3_Supporting), Patient’s phenotype or family history highly specific for the disease (PP4_Strong)

Classification method: ACMG Guidelines [PMID:25741868] with modifications

Literature cited by the submitters: PubMed 35005816 (cited by Laboratory of Diagnosis and Therapy of Lysosomal Disorders, University of Padova); PubMed 8664909 (cited by Laboratory of Diagnosis and Therapy of Lysosomal Disorders, University of Padova); PubMed 24515576 (cited by Laboratory of Diagnosis and Therapy of Lysosomal Disorders, University of Padova); PubMed 30639582 (cited by Laboratory of Diagnosis and Therapy of Lysosomal Disorders, University of Padova); PubMed 36945845 (cited by Laboratory of Diagnosis and Therapy of Lysosomal Disorders, University of Padova).